The following is an entry in ClinVar:

ClinVar aggregate classification (germline): Uncertain significance (1 of 4 stars; one submission).

Conditions:
Inborn genetic diseases. Identifiers: MedGen C0950123, MeSH D030342.

Submission:

Ambry Genetics
Classification: Uncertain significance for Inborn genetic diseases. Last evaluated: 2025-11-23. Review status: criteria provided, single submitter. Criteria: Ambry Variant Classification Scheme 2023. Collection method: clinical testing. Allele origin: germline.
Comment: The p.S639G variant (also known as c.1915A>G), located in coding exon 8 of the MECOM gene, results from an A to G substitution at nucleotide position 1915. The serine at codon 639 is replaced by glycine, an amino acid with similar properties. This amino acid position is conserved. In addition, this alteration is predicted to be tolerated by in silico analysis. Based on the available evidence, the clinical significance of this variant remains unclear.

NM_004991.4(MECOM):c.1915A>G (p.Ser639Gly)

Gene: MECOM (MDS1 and EVI1 complex locus; minus strand). Cytogenetic location: 3q26.2.
Variant type: single nucleotide variant.
Coding change: c.1915A>G on transcript NM_004991.4 (MANE Select); coding-DNA position 1915, A replaced by G.
Protein change: p.Ser639Gly; replaces serine 639 with glycine.
Molecular consequence: missense variant. On other transcripts: intron variant (2).
Genome position (GRCh38, 1-based): chr3:169,115,957, T>C on the plus strand (A>G on the coding strand, the complement: MECOM is on the minus strand). VCF-style: chr3-169115957-T-C. GRCh37 (hg19) VCF-style: chr3-168833745-T-C.
Other names: c.1546A>G, p.Ser516Gly (NM_001105077.4); c.1351A>G, p.Ser451Gly (NM_001105078.4, NM_001164000.2, NM_001205194.2 and 4 more transcripts); c.1354A>G, p.Ser452Gly (NM_001163999.2, NM_001366467.2, NM_001366468.2 and 1 more transcripts); c.1915A>G, p.Ser639Gly (NM_001366466.2); c.1133-190A>G (NM_001366473.2); c.569-190A>G (NM_001366474.2); short protein forms S451G, S639G, S452G, S516G.
Identifiers: ClinVar variation 4624704 (VCV004624704.1).